The following is an entry in ClinVar:

NM_013382.7(POMT2):c.2214A>G (p.Pro738=)

Gene: POMT2 (protein O-mannosyltransferase 2; minus strand). Cytogenetic location: 14q24.3.
Variant type: single nucleotide variant.
Coding change: c.2214A>G on transcript NM_013382.7 (MANE Select); coding-DNA position 2214, A replaced by G.
Protein change: p.Pro738=; no amino-acid change (proline 738 retained).
Molecular consequence: synonymous variant.
Genome position (GRCh38, 1-based): chr14:77,277,415, T>C on the plus strand (A>G on the coding strand, the complement: POMT2 is on the minus strand). VCF-style: chr14-77277415-T-C. GRCh37 (hg19) VCF-style: chr14-77743758-T-C.
Other names: c.2214A>G (NM_013382.5).
Identifiers: ClinVar variation 1621836 (VCV001621836.11), dbSNP rs2140156918, ClinGen allele CA487324018.
Genomic context (GRCh38, chr14:77,277,415, plus strand): 5'-GCTGGAATCTTTGCAGTGGCCTCAAAAGTCCCATGAGTCCAGCCACCTTAGTCCTGCCAT[T>C]GGACTTTGGGGGTCCTGGGCCAGGGGACCAACCATCCCGTAAGCCAGAGGGTGGAAGAGG-3'
Protein context (NP_037514.2, residues 728-748): VGPLAQDPQS[Pro738=]MAGLRWLDSW

ClinVar aggregate classification (germline): Likely benign. Review status: criteria provided, multiple submitters, no conflicts (2 of 4 stars). 3 submissions from 3 submitters: Likely benign (2). 1 of the submissions does not count toward it. Last evaluated 2026-02-27.

Conditions:
Muscular dystrophy-dystroglycanopathy (congenital with brain and eye anomalies), type A2. Also called: MUSCULAR DYSTROPHY-DYSTROGLYCANOPATHY (CONGENITAL WITH BRAIN AND EYE ANOMALIES), TYPE A, 2; WALKER-WARBURG SYNDROME OR MUSCLE-EYE-BRAIN DISEASE, POMT2-RELATED. Identifiers: Orphanet 588, Orphanet 899, MedGen C3150411, MONDO:0013154, OMIM 613150.
Muscular dystrophy-dystroglycanopathy (congenital with impaired intellectual development), type B, 2. Also called: Muscular dystrophy-dystroglycanopathy (congenital with intellectual disability), type B2; MUSCULAR DYSTROPHY, CONGENITAL, POMT2-RELATED. Identifiers: MedGen C3150416, MONDO:0013160, OMIM 613156.
Autosomal recessive limb-girdle muscular dystrophy type 2N. Also called: MUSCULAR DYSTROPHY-DYSTROGLYCANOPATHY, LIMB-GIRDLE, POMT2-RELATED; Muscular dystrophy-dystroglycanopathy (limb-girdle), type C, 2. Identifiers: Orphanet 206559, MedGen C3150418, MONDO:0013162, OMIM 613158.
POMT2-related disorder. Also called: POMT2-related condition.

Submissions (3):

Women's Health and Genetics/Laboratory Corporation of America, LabCorp
Classification: Likely benign. Last evaluated: 2026-02-27. Review status: criteria provided, single submitter. Criteria: LabCorp Variant Classification Summary - May 2015. Collection method: clinical testing. Allele origin: germline.

Labcorp Genetics (formerly Invitae), Labcorp
Classification: Likely benign for Muscular dystrophy-dystroglycanopathy (congenital with impaired intellectual development), type B, 2; Muscular dystrophy-dystroglycanopathy (congenital with brain and eye anomalies), type A2; Autosomal recessive limb-girdle muscular dystrophy type 2N. Last evaluated: 2025-01-29. Review status: criteria provided, single submitter. Criteria: Invitae Variant Classification Sherloc (09022015). Collection method: clinical testing. Allele origin: germline.

PreventionGenetics, part of Exact Sciences
Classification: Likely benign for POMT2-related condition. Last evaluated: 2019-02-28. Review status: no assertion criteria provided. Collection method: clinical testing. Allele origin: germline. Not counted in ClinVar's aggregate classification.
Comment: This variant is classified as likely benign based on ACMG/AMP sequence variant interpretation guidelines (Richards et al. 2015 PMID: 25741868, with internal and published modifications).